The following is an entry in ClinVar:

NM_005654.6(NR2F1):c.434_444del (p.Lys145fs)

Genes: NR2F1 (nuclear receptor subfamily 2 group F member 1; plus strand), NR2F1-AS1 (NR2F1 regulatory antisense RNA 1; minus strand). Cytogenetic location: 5q15.
Variant type: Deletion.
Coding change: c.434_444del on transcript NM_005654.6 (MANE Select); coding-DNA positions 434 to 444, 11 bases deleted (AGTGCCTCAAA).
Protein change: p.Lys145fs; shifts the reading frame from lysine 145.
Molecular consequence: frameshift variant. On other transcripts: non-coding transcript variant (8).
Genome position (GRCh38, 1-based): chr5:93,585,457-93,585,467, AGTGCCTCAAA deleted; deleting any 11 consecutive bases within chr5:93,585,456-93,585,467 gives the same sequence; the c. name uses the placement nearest the transcript's 3' end. VCF-style (leftmost placement, unchanged base first): chr5-93585455-GAAGTGCCTCAA-G. GRCh37 (hg19) VCF-style: chr5-92921161-GAAGTGCCTCAA-G.
Other names: short protein forms K145fs.
Identifiers: ClinVar variation 4717286 (VCV004717286.1).
Genomic context (GRCh38, chr5:93,585,455, plus strand): 5'-CAACAGGAACTGTCCCATCGACCAGCACCACCGCAACCAGTGCCAATACTGCCGCCTCAA[GAAGTGCCTCAA>G]AGTGGGCATGAGGCGGGAAGGTGAATATTTCTTCTCTGCTTCTCTCCCCGCGCTTCGCCC-3'

ClinVar aggregate classification (germline): Pathogenic (1 of 4 stars; one submission).

Submission:

Labcorp Genetics (formerly Invitae), Labcorp
Classification: Pathogenic. Last evaluated: 2025-04-19. Review status: criteria provided, single submitter. Criteria: Invitae Variant Classification Sherloc (09022015). Collection method: clinical testing. Allele origin: germline.
Comment: This sequence change creates a premature translational stop signal (p.Lys145Serfs*248) in the NR2F1 gene. While this is not anticipated to result in nonsense mediated decay, it is expected to disrupt the last 279 amino acid(s) of the NR2F1 protein. This variant is not present in population databases (gnomAD no frequency). This variant has not been reported in the literature in individuals affected with NR2F1-related conditions. This variant disrupts a region of the NR2F1 protein in which other variant(s) (p.Arg373*) have been determined to be pathogenic (PMID: 32275123). This suggests that this is a clinically significant region of the protein, and that variants that disrupt it are likely to be disease-causing. For these reasons, this variant has been classified as Pathogenic.

Literature cited by the submitters: PubMed 32275123.